The following is an entry in ClinVar:

ClinVar aggregate classification (germline): Uncertain significance (1 of 4 stars; one submission).

Allele frequency attached by ClinVar (database versions not stated): gnomAD exomes below 0.00001; TOPMed below 0.00001; gnomAD 0.00001.
gnomAD v4.1: 5 of 1,608,328 alleles (0.00031%); highest among the groups gnomAD compares: Admixed American, 0.0034%; no homozygotes.

Submission:

GeneDx
Classification: Uncertain significance. Last evaluated: 2025-06-03. Review status: criteria provided, single submitter. Criteria: GeneDx Variant Classification Process June 2021. Collection method: clinical testing. Allele origin: germline. Affected: yes.
Comment: In silico analysis suggests that this missense variant does not alter protein structure/function; Has not been previously published as pathogenic or benign to our knowledge

NM_000545.8(HNF1A):c.217G>A (p.Glu73Lys)

Gene: HNF1A (HNF1 homeobox A; plus strand). Cytogenetic location: 12q24.31.
Variant type: single nucleotide variant.
Coding change: c.217G>A on transcript NM_000545.8 (MANE Select); coding-DNA position 217, G replaced by A.
Protein change: p.Glu73Lys; replaces glutamic acid 73 with lysine.
Molecular consequence: missense variant.
Genome position (GRCh38, 1-based): chr12:120,978,985, G>A. VCF-style: chr12-120978985-G-A. GRCh37 (hg19) VCF-style: chr12-121416788-G-A.
Other names: c.217G>A, p.Glu73Lys (NM_001306179.2, NM_001406915.1); short protein forms E73K.
Identifiers: ClinVar variation 2574780 (VCV002574780.2), dbSNP rs905788991, ClinGen allele CA244520970.